The following is an entry in ClinVar:

NM_005883.3(APC2):c.3283T>C (p.Ser1095Pro)

Gene: APC2 (APC regulator of Wnt signaling pathway 2; plus strand). Cytogenetic location: 19p13.3.
Variant type: single nucleotide variant.
Coding change: c.3283T>C on transcript NM_005883.3 (MANE Select); coding-DNA position 3283, T replaced by C.
Protein change: p.Ser1095Pro; replaces serine 1095 with proline.
Molecular consequence: missense variant.
Genome position (GRCh38, 1-based): chr19:1,466,584, T>C. VCF-style: chr19-1466584-T-C. GRCh37 (hg19) VCF-style: chr19-1466583-T-C.
Other names: c.3280T>C, p.Ser1094Pro (NM_001351273.1); short protein forms S1094P, S1095P.
Identifiers: ClinVar variation 1714803 (VCV001714803.5), dbSNP rs2512522808, ClinGen allele CA403029075.

ClinVar aggregate classification (germline): Uncertain significance (1 of 4 stars; one submission).

gnomAD v4.1: 1 of 1,571,740 alleles (0.000064%); highest among the groups gnomAD compares: Admixed American, 0.0018%; no homozygotes.

Submission:

Labcorp Genetics (formerly Invitae), Labcorp
Classification: Uncertain significance. Last evaluated: 2022-08-02. Review status: criteria provided, single submitter. Criteria: Invitae Variant Classification Sherloc (09022015). Collection method: clinical testing. Allele origin: germline.
Comment: This sequence change replaces serine, which is neutral and polar, with proline, which is neutral and non-polar, at codon 1095 of the APC2 protein (p.Ser1095Pro). This variant is not present in population databases (gnomAD no frequency). This variant has not been reported in the literature in individuals affected with APC2-related conditions. Algorithms developed to predict the effect of missense changes on protein structure and function are either unavailable or do not agree on the potential impact of this missense change (SIFT: "Deleterious"; PolyPhen-2: "Possibly Damaging"; Align-GVGD: "Class C0"). In summary, the available evidence is currently insufficient to determine the role of this variant in disease. Therefore, it has been classified as a Variant of Uncertain Significance.